The following is an entry in ClinVar:

NM_004655.4(AXIN2):c.1131G>T (p.Arg377Ser)

Gene: AXIN2 (axin 2; minus strand). Cytogenetic location: 17q24.1.
Variant type: single nucleotide variant.
Coding change: c.1131G>T on transcript NM_004655.4 (MANE Select); coding-DNA position 1131, G replaced by T.
Protein change: p.Arg377Ser; replaces arginine 377 with serine.
Molecular consequence: missense variant.
Genome position (GRCh38, 1-based): chr17:65,538,272, C>A on the plus strand (G>T on the coding strand, the complement: AXIN2 is on the minus strand). VCF-style: chr17-65538272-C-A. GRCh37 (hg19) VCF-style: chr17-63534390-C-A.
Other names: c.1131G>T, p.Arg377Ser (NM_001363813.1); short protein forms R377S.
Identifiers: ClinVar variation 963435 (VCV000963435.7), dbSNP rs1060504480, ClinGen allele CA400678362.

ClinVar aggregate classification (germline): Uncertain significance (1 of 4 stars; one submission).

Conditions:
Oligodontia-cancer predisposition syndrome. Also called: TOOTH AGENESIS-COLORECTAL CANCER SYNDROME. Identifiers: Orphanet 300576, MedGen C1837750, MONDO:0012075, OMIM 608615. Disease mechanism: loss of function.

Submission:

Labcorp Genetics (formerly Invitae), Labcorp
Classification: Uncertain significance for Oligodontia-cancer predisposition syndrome. Last evaluated: 2021-08-28. Review status: criteria provided, single submitter. Criteria: Invitae Variant Classification Sherloc (09022015). Collection method: clinical testing. Allele origin: germline.
Comment: This sequence change replaces arginine with serine at codon 377 of the AXIN2 protein (p.Arg377Ser). The arginine residue is highly conserved and there is a moderate physicochemical difference between arginine and serine. This variant is not present in population databases (ExAC no frequency). This variant has not been reported in the literature in individuals affected with AXIN2-related conditions. Algorithms developed to predict the effect of missense changes on protein structure and function are either unavailable or do not agree on the potential impact of this missense change (SIFT: "Deleterious"; PolyPhen-2: "Benign"; Align-GVGD: "Class C35"). In summary, the available evidence is currently insufficient to determine the role of this variant in disease. Therefore, it has been classified as a Variant of Uncertain Significance.